The following is an entry in ClinVar:

NM_000095.3(COMP):c.1068C>G (p.Asn356Lys)

Gene: COMP (cartilage oligomeric matrix protein; minus strand). Cytogenetic location: 19p13.11.
Variant type: single nucleotide variant.
Coding change: c.1068C>G on transcript NM_000095.3 (MANE Select); coding-DNA position 1068, C replaced by G.
Protein change: p.Asn356Lys; replaces asparagine 356 with lysine.
Molecular consequence: missense variant.
Genome position (GRCh38, 1-based): chr19:18,787,558, G>C on the plus strand (C>G on the coding strand, the complement: COMP is on the minus strand). VCF-style: chr19-18787558-G-C. GRCh37 (hg19) VCF-style: chr19-18898367-G-C.
Other names: short protein forms N356K.
Identifiers: ClinVar variation 1489082 (VCV001489082.6), dbSNP rs1179048418, ClinGen allele CA404888181.

ClinVar aggregate classification (germline): Uncertain significance (1 of 4 stars; one submission).

gnomAD v4.1: 1 of 1,614,008 alleles (0.000062%); highest among the groups gnomAD compares: Non-Finnish European, 0.000085%; no homozygotes.

Submission:

Labcorp Genetics (formerly Invitae), Labcorp
Classification: Uncertain significance. Last evaluated: 2021-12-03. Review status: criteria provided, single submitter. Criteria: Invitae Variant Classification Sherloc (09022015). Collection method: clinical testing. Allele origin: germline.
Comment: Advanced modeling of protein sequence and biophysical properties (such as structural, functional, and spatial information, amino acid conservation, physicochemical variation, residue mobility, and thermodynamic stability) performed at Invitae indicates that this missense variant is expected to disrupt COMP protein function. In summary, the available evidence is currently insufficient to determine the role of this variant in disease. Therefore, it has been classified as a Variant of Uncertain Significance. This sequence change replaces asparagine, which is neutral and polar, with lysine, which is basic and polar, at codon 356 of the COMP protein (p.Asn356Lys). This variant is not present in population databases (gnomAD no frequency). This variant has not been reported in the literature in individuals affected with COMP-related conditions.